The following is an entry in ClinVar:

NM_001278716.2(FBXL4):c.906A>G (p.Arg302=)

Gene: FBXL4 (F-box and leucine rich repeat protein 4; minus strand). Cytogenetic location: 6q16.2.
Variant type: single nucleotide variant.
Coding change: c.906A>G on transcript NM_001278716.2 (MANE Select); coding-DNA position 906, A replaced by G.
Protein change: p.Arg302=; no amino-acid change (arginine 302 retained).
Molecular consequence: synonymous variant. On other transcripts: non-coding transcript variant (2).
Genome position (GRCh38, 1-based): chr6:98,905,623, T>C on the plus strand (A>G on the coding strand, the complement: FBXL4 is on the minus strand). VCF-style: chr6-98905623-T-C. GRCh37 (hg19) VCF-style: chr6-99353499-T-C.
Other names: c.906A>G, p.Arg302= (NM_012160.5).
Identifiers: ClinVar variation 437654 (VCV000437654.5), dbSNP rs746193063, ClinGen allele CA3933585.

ClinVar aggregate classification (germline): Conflicting classifications of pathogenicity. Review status: criteria provided, conflicting classifications (1 of 4 stars). 2 submissions from 2 submitters: Uncertain significance (1); Likely benign (1). Last evaluated 2022-08-23.

Conditions:
Mitochondrial DNA depletion syndrome 13. Also called: FBXL4-Related Encephalomyopathic Mitochondrial DNA Depletion Syndrome; Mitochondrial DNA depletion syndrome 13 (encephalomyopathic type). Identifiers: Orphanet 369897, MedGen C3809592, MONDO:0014198, OMIM 615471.

Allele frequency attached by ClinVar (database versions not stated): gnomAD 0.00001; TOPMed 0.00001; gnomAD exomes 0.00002 and 0.00005; ExAC 0.00006.
gnomAD v4.1: 29 of 1,613,798 alleles (0.0018%); highest among the groups gnomAD compares: Non-Finnish European, 0.0025%; no homozygotes.

Submissions (2):

Labcorp Genetics (formerly Invitae), Labcorp
Classification: Likely benign. Last evaluated: 2022-08-23. Review status: criteria provided, single submitter. Criteria: Invitae Variant Classification Sherloc (09022015). Collection method: clinical testing. Allele origin: germline.

Wong Mito Lab, Molecular and Human Genetics, Baylor College of Medicine
Classification: Uncertain significance for Mitochondrial DNA depletion syndrome 13. Last evaluated: 2017-08-10. Review status: criteria provided, single submitter. Criteria: ACMG Guidelines, 2015. Collection method: reference population. Allele origin: germline.
Comment: The NM_012160.4:c.906A>G (NP_036292.2:p.Arg302=) [GRCH38: NC_000006.12:g.98905623T>C] variant in FBXL4 gene is interpretated to be a Uncertain Significance - Conflicting Evidence based on ACMG guidelines (PMID: 25741868). This variant meets one or more of the following evidence codes reported in the ACMG-guideline. PM2:This variant is absent in key population databases. BP4:Computational evidence/predictors indicate no impact on the FBXL4 structure, function, or protein-protein interaction. BP5:The variant is found in a case with alternate cuase. BP7:The variant is silent with non predicted splice impact. Based on this evidence code ClinGen Pathogenicity Calculator (PMID:28081714) suggested that the variant is Uncertain Significance - Conflicting Evidence.